The following is an entry in ClinVar:

NM_014244.5(ADAMTS2):c.84_88delinsCCCTCTTCG (p.Pro30fs)

Gene: ADAMTS2 (ADAM metallopeptidase with thrombospondin type 1 motif 2; minus strand). Cytogenetic location: 5q35.3.
Variant type: Indel.
Coding change: c.84_88delinsCCCTCTTCG on transcript NM_014244.5 (MANE Select); coding-DNA positions 84 to 88, GCCGC replaced by CCCTCTTCG.
Protein change: p.Pro30fs; shifts the reading frame from proline 30.
Molecular consequence: frameshift variant.
Genome position (GRCh38, 1-based): chr5:179,345,241-179,345,245, GCGGC replaced by CGAAGAGGG on the plus strand (GCCGC replaced by CCCTCTTCG on the coding strand, the reverse complement: ADAMTS2 is on the minus strand). VCF-style: chr5-179345241-GCGGC-CGAAGAGGG. GRCh37 (hg19) VCF-style: chr5-178772242-GCGGC-CGAAGAGGG.
Other names: c.84_88delinsCCCTCTTCG, p.Pro30fs (NM_021599.4); short protein forms P30fs.
Identifiers: ClinVar variation 5010947 (VCV005010947.1).

ClinVar aggregate classification (germline): Pathogenic (1 of 4 stars; one submission).

Conditions:
Ehlers-Danlos syndrome, dermatosparaxis type. Also called: EDS VIIC; Dermatosparaxis; Ehlers-Danlos syndrome, type VII, autosomal recessive. Identifiers: Orphanet 1901, MedGen C2700425, MONDO:0009161, OMIM 225410.

Submission:

Myriad Genetics, Inc.
Classification: Pathogenic for Ehlers-Danlos syndrome, dermatosparaxis type. Last evaluated: 2024-05-14. Review status: criteria provided, single submitter. Criteria: Myriad Autosomal Dominant, Autosomal Recessive and X-Linked Classification Criteria (2023). Collection method: clinical testing. Allele origin: unknown.
Comment: NM_014244.4(ADAMTS2):c.84_88del5ins9(P30Lfs*37) is expected to be pathogenic in the context of Ehlers-Danlos syndrome, ADAMTS2-related. This variant is predicted to lead to an abnormal or absent protein product due to the creation of a premature termination codon in ADAMTS2, a gene where loss-of-function variants are known to be pathogenic. Please note: this variant was assessed in the context of healthy population screening.